The following is an entry in ClinVar:

NM_005921.2(MAP3K1):c.2812C>A (p.Pro938Thr)

Gene: MAP3K1 (mitogen-activated protein kinase kinase kinase 1; plus strand). Cytogenetic location: 5q11.2.
Variant type: single nucleotide variant.
Coding change: c.2812C>A on transcript NM_005921.2 (MANE Select); coding-DNA position 2812, C replaced by A.
Protein change: p.Pro938Thr; replaces proline 938 with threonine.
Molecular consequence: missense variant.
Genome position (GRCh38, 1-based): chr5:56,882,012, C>A. VCF-style: chr5-56882012-C-A. GRCh37 (hg19) VCF-style: chr5-56177839-C-A.
Other names: short protein forms P938T.
Identifiers: ClinVar variation 4051215 (VCV004051215.2).
Genomic context (GRCh38, chr5:56,882,012, plus strand): 5'-ACAAAATTGAGTGCCAGTTCAGAGGACATTTCTGAGAGACTGGCCAGCATTTCAGTAGGA[C>A]CTTCTAGTTCAACAACAACAACAACAACAACAACAGAGCAACCAAAGCCAATGGTTCAAA-3'
Protein context (NP_005912.1, residues 928-948): SERLASISVG[Pro938Thr]SSSTTTTTTT

ClinVar aggregate classification (germline): Uncertain significance. Review status: criteria provided, multiple submitters, no conflicts (2 of 4 stars). 2 submissions from 2 submitters: Uncertain significance (2). Last evaluated 2026-04-16.

Conditions:
MAP3K1-related disorder. Also called: MAP3K1-related condition.
Inborn genetic diseases. Identifiers: MedGen C0950123, MeSH D030342.

gnomAD v4.1: 257 of 1,558,570 alleles (0.016%); highest among the groups gnomAD compares: Non-Finnish European, 0.022%; no homozygotes.

Submissions (2):

PreventionGenetics, part of Exact Sciences
Classification: Uncertain significance for MAP3K1-related condition. Last evaluated: 2026-04-16. Review status: criteria provided, single submitter. Criteria: ACMG Guidelines, 2015. Collection method: clinical testing. Allele origin: germline.
Comment: The MAP3K1 c.2812C>A variant is predicted to result in the amino acid substitution p.Pro938Thr. To our knowledge, this variant has not been reported in the literature. This variant is reported in 0.015% of alleles in individuals of European (Non-Finnish) descent in gnomAD. Although we suspect that this variant may be benign, at this time, the clinical significance of this variant is uncertain due to the absence of conclusive functional and genetic evidence.

Ambry Genetics
Classification: Uncertain significance for Inborn genetic diseases. Last evaluated: 2025-04-10. Review status: criteria provided, single submitter. Criteria: Ambry Variant Classification Scheme 2023. Collection method: clinical testing. Allele origin: germline.